The following is an entry in ClinVar:

ClinVar aggregate classification (germline): Likely pathogenic. Review status: criteria provided, single submitter (1 of 4 stars). 2 submissions from 1 submitter: Likely pathogenic (2). Last evaluated 2016-01-01.

Conditions:
Myopathy. Identifiers: MedGen C0026848, MeSH D009135, MONDO:0005336, HP:0003198.
Gnathodiaphyseal dysplasia (GDD). Also called: OSTEOGENESIS IMPERFECTA WITH UNUSUAL SKELETAL LESIONS; GNATHODIAPHYSEAL SCLEROSIS. Identifiers: Orphanet 53697, MedGen C1833736, MONDO:0008151, OMIM 166260.

Submissions (2):

Centre for Mendelian Genomics, University Medical Centre Ljubljana
Classification: Likely pathogenic for Gnathodiaphyseal dysplasia. Last evaluated: 2016-01-01. Review status: criteria provided, single submitter. Criteria: ACMG Guidelines, 2015. Collection method: clinical testing. Allele origin: unknown. Affected: yes.
Comment: This variant was classified as: Likely pathogenic.

Centre for Mendelian Genomics, University Medical Centre Ljubljana
Classification: Likely pathogenic for Myopathy. Last evaluated: 2015-10-02. Review status: criteria provided, single submitter. Criteria: ACMG Guidelines, 2015. Collection method: clinical testing. Allele origin: unknown. Affected: yes.

NM_213599.3(ANO5):c.2029+2dup

Gene: ANO5 (anoctamin 5; plus strand). Cytogenetic location: 11p14.3.
Variant type: Duplication.
Coding change: c.2029+2dup on transcript NM_213599.3 (MANE Select); the canonical splice donor site of the intron after coding-DNA position 2029, one base duplicated (T; older notation c.2029+2dupT).
Molecular consequence: splice donor variant.
Genome position (GRCh38, 1-based): chr11:22,270,444, T duplicated. VCF-style (leftmost placement, unchanged base first): chr11-22270443-G-GT. GRCh37 (hg19) VCF-style: chr11-22291989-G-GT.
Other names: c.2026+2dup (NM_001142649.2); c.2029+1_2029+2insT (NM_213599.2).
Identifiers: ClinVar variation 374043 (VCV000374043.4), dbSNP rs1057518855, ClinGen allele CA16043458.